The following is an entry in ClinVar:

ClinVar aggregate classification (germline): Pathogenic (1 of 4 stars; one submission).

Conditions:
Autosomal recessive primary microcephaly. Identifiers: Orphanet 2512, MedGen C3711387, MONDO:0016660.

Submission:

Women's Health and Genetics/Laboratory Corporation of America, LabCorp
Classification: Pathogenic for Autosomal recessive primary microcephaly. Last evaluated: 2024-05-02. Review status: criteria provided, single submitter. Criteria: LabCorp Variant Classification Summary - May 2015. Collection method: clinical testing. Allele origin: germline.
Comment: Variant summary: The variant involves the deletion of exons 10-12 in the WDR62 gene. A presumed nomenclature of c.(1233+1_1234-1)_(1642+1_1643-1)del has been designated for the purposes of this classification. This Copy Number Variant (CNV) is expected to alter the reading frame and predicted to result in a truncation or absence of the encoded protein due to nonsense mediated decay (NMD). The variant was absent in 21694 control chromosomes. To our knowledge, no occurrence of c.(1233+1_1234-1)_(1642+1_1643-1)del in individuals affected with Primary microcephaly and no experimental evidence demonstrating its impact on protein function have been reported. No submitters have cited clinical-significance assessments for this variant to ClinVar. Based on the evidence outlined above, the variant was classified as pathogenic.

NC_000019.9:g.(36564434_36572334)_(36575647_36577588)del

Gene: WDR62 (WD repeat domain 62; plus strand). Cytogenetic location: 19q13.12.
Variant type: Deletion.
Identifiers: ClinVar variation 3336245 (VCV003336245.1).